The following is an entry in ClinVar:

NM_014363.6(SACS):c.8471C>G (p.Ser2824Ter)

Gene: SACS (sacsin molecular chaperone; minus strand). Cytogenetic location: 13q12.12.
Variant type: single nucleotide variant.
Coding change: c.8471C>G on transcript NM_014363.6 (MANE Select); coding-DNA position 8471, C replaced by G.
Protein change: p.Ser2824Ter; replaces serine 2824 with a stop codon.
Molecular consequence: nonsense.
Genome position (GRCh38, 1-based): chr13:23,335,405, G>C on the plus strand (C>G on the coding strand, the complement: SACS is on the minus strand). VCF-style: chr13-23335405-G-C. GRCh37 (hg19) VCF-style: chr13-23909544-G-C.
Other names: c.8030C>G, p.Ser2677Ter (NM_001278055.2); short protein forms S2677*, S2824*.
Identifiers: ClinVar variation 858884 (VCV000858884.10), dbSNP rs1868480299, ClinGen allele CA387516562.
Genomic context (GRCh38, chr13:23,335,405, plus strand): 5'-TCTTGGTTCTTGTGAGCTGATATGACACTTTTAGATACTTTCTCCATACTTGAAAAGCCT[G>C]ATCTATTACAAATTAGCCACGTAGTAAGATTTCCTTCAGAGTCCTCAGTATCCATAGTAT-3'

ClinVar aggregate classification (germline): Pathogenic (1 of 4 stars; one submission).

Conditions:
Spastic paraplegia. Identifiers: MedGen C0037772, HP:0001258.

Submission:

Labcorp Genetics (formerly Invitae), Labcorp
Classification: Pathogenic for Spastic paraplegia. Last evaluated: 2020-10-13. Review status: criteria provided, single submitter. Criteria: Invitae Variant Classification Sherloc (09022015). Collection method: clinical testing. Allele origin: germline.
Comment: This variant disrupts the C-terminus of the SACS protein. Other variant(s) that disrupt this region (p.Leu4303*, p.Glu4309*, p.Arg4325*, and p.Phe4352Leufs*11) have been determined to be pathogenic and/or reported in individuals affected with autosomal recessive spastic ataxia of Charlevoix-Saguenay (PMID: 23497566, 26288984, 16944349, Invitae). This suggests that variants that disrupt this region of the protein are likely to be causative of disease. This sequence change results in a premature translational stop signal in the SACS gene (p.Ser2824*). While this is not anticipated to result in nonsense mediated decay, it is expected to disrupt the last 1756 amino acids of the SACS protein. This variant is not present in population databases (ExAC no frequency). This variant has not been reported in the literature in individuals with SACS-related conditions. For these reasons, this variant has been classified as Pathogenic.

Literature cited by the submitters: PubMed 23497566; PubMed 26288984; PubMed 16944349.